The following is an entry in ClinVar:

ClinVar aggregate classification (germline): Benign (0 of 4 stars; one submission).

Conditions:
KCNJ12-related disorder. Also called: KCNJ12-related condition.

Allele frequency attached by ClinVar (database versions not stated): ExAC 0.49970.

Submission:

PreventionGenetics, part of Exact Sciences
Classification: Benign for KCNJ12-related condition. Last evaluated: 2019-10-17. Review status: no assertion criteria provided. Collection method: clinical testing. Allele origin: germline.
Comment: This variant is classified as benign based on ACMG/AMP sequence variant interpretation guidelines (Richards et al. 2015 PMID: 25741868, with internal and published modifications).

NM_021012.5(KCNJ12):c.467C>T (p.Pro156Leu)

Gene: KCNJ12 (potassium inwardly rectifying channel subfamily J member 12; plus strand). Cytogenetic location: 17p11.2.
Variant type: single nucleotide variant.
Coding change: c.467C>T on transcript NM_021012.5 (MANE Select); coding-DNA position 467, C replaced by T.
Protein change: p.Pro156Leu; replaces proline 156 with leucine.
Molecular consequence: missense variant.
Genome position (GRCh38, 1-based): chr17:21,415,809, C>T. VCF-style: chr17-21415809-C-T. GRCh37 (hg19) VCF-style: chr17-21319121-C-T.
Other names: short protein forms P156L.
Identifiers: ClinVar variation 3059270 (VCV003059270.2), dbSNP rs1714864, ClinGen allele CA8451145.